The following is an entry in ClinVar:

NC_000003.11:g.(43640159_43641875)_(43647356_43663400)del

Gene: ANO10 (anoctamin 10; minus strand). Cytogenetic location: 3p22.1.
Variant type: Deletion.
Identifiers: ClinVar variation 2637529 (VCV002637529.1).

ClinVar aggregate classification (germline): Likely pathogenic (1 of 4 stars; one submission).

Conditions:
Autosomal recessive spinocerebellar ataxia 10. Identifiers: Orphanet 284289, MedGen C3150998, MONDO:0013392, OMIM 613728.

Submission:

Women's Health and Genetics/Laboratory Corporation of America, LabCorp
Classification: Likely pathogenic for Autosomal recessive spinocerebellar ataxia 10. Last evaluated: 2023-10-27. Review status: criteria provided, single submitter. Criteria: LabCorp Variant Classification Summary - May 2015. Collection method: clinical testing. Allele origin: germline.
Comment: Variant summary: The variant identified by MLPA or other technology involves the deletion of exons 2-3 in the ANO10 gene. A presumed nomenclature of c.(-12+1_-11-1)_(337+1_338-1)del has been designated for the purposes of this classification. Although exact breakpoints of this deletion are not known, it is expected to result in a large deletion change in the ANO10 gene encompasing the start codon. The next in-frame methionine codon is located within exon 4. The variant was absent in 20340 control chromosomes (gnomAD). To our knowledge, no occurrence of c.(-12+1_-11-1)_(337+1_338-1)del in individuals affected with Spinocerebellar ataxia 10 and no experimental evidence demonstrating its impact on protein function have been reported. No submitters have cited clinical-significance assessments for this variant to ClinVar after 2014. Based on the evidence outlined above, the variant was classified as likely pathogenic.